The following is an entry in ClinVar:

NM_201253.3(CRB1):c.3241T>C (p.Tyr1081His)

Gene: CRB1 (crumbs cell polarity complex component 1; plus strand). Cytogenetic location: 1q31.3.
Variant type: single nucleotide variant.
Coding change: c.3241T>C on transcript NM_201253.3 (MANE Select); coding-DNA position 3241, T replaced by C.
Protein change: p.Tyr1081His; replaces tyrosine 1081 with histidine.
Molecular consequence: missense variant. On other transcripts: non-coding transcript variant (2), intron variant (1).
Genome position (GRCh38, 1-based): chr1:197,435,104, T>C. VCF-style: chr1-197435104-T-C. GRCh37 (hg19) VCF-style: chr1-197404234-T-C.
Other names: c.2905T>C, p.Tyr969His (NM_001193640.2); c.3169T>C, p.Tyr1057His (NM_001257965.2); c.2129-496T>C (NM_001257966.2); short protein forms Y1057H, Y1081H, Y969H.
Identifiers: ClinVar variation 1200969 (VCV001200969.3), dbSNP rs2125499868, ClinGen allele CA344046794.
Genomic context (GRCh38, chr1:197,435,104, plus strand): 5'-TTTGTGACCAGCACAATTGCTACTGGAAGCCTCAACTTTTTGAAGGATAATACAGATATT[T>C]ATGTGGGAGACAGAGCTATTGACAATATAAAGGGCCTGCAAGGGTGTCTAAGTACAATAG-3'
Protein context (NP_957705.1, residues 1071-1091): LNFLKDNTDI[Tyr1081His]VGDRAIDNIK

ClinVar aggregate classification (germline): Likely benign (1 of 4 stars; one submission).

Submission:

GeneDx
Classification: Likely benign. Last evaluated: 2015-03-03. Review status: criteria provided, single submitter. Criteria: GeneDx Variant Classification Process June 2021. Collection method: clinical testing. Allele origin: germline. Affected: yes.
Comment: Not observed in large population cohorts (Lek et al., 2016); In silico analysis supports that this missense variant has a deleterious effect on protein structure/function